The following is an entry in ClinVar:

NM_000827.4(GRIA1):c.1555A>T (p.Lys519Ter)

Gene: GRIA1 (glutamate ionotropic receptor AMPA type subunit 1; plus strand). Cytogenetic location: 5q33.2.
Variant type: single nucleotide variant.
Coding change: c.1555A>T on transcript NM_000827.4 (MANE Select); coding-DNA position 1555, A replaced by T.
Protein change: p.Lys519Ter; replaces lysine 519 with a stop codon.
Molecular consequence: nonsense. On other transcripts: non-coding transcript variant (2).
Genome position (GRCh38, 1-based): chr5:153,705,799, A>T. VCF-style: chr5-153705799-A-T. GRCh37 (hg19) VCF-style: chr5-153085359-A-T.
Other names: c.1555A>T, p.Lys519Ter (NM_001114183.2); c.1315A>T, p.Lys439Ter (NM_001258019.2); c.1270A>T, p.Lys424Ter (NM_001258020.2); c.1585A>T, p.Lys529Ter (NM_001258021.2, NM_001258022.2); c.1348A>T, p.Lys450Ter (NM_001258023.1, NM_001364167.2); c.1387A>T, p.Lys463Ter (NM_001364165.2); c.1582A>T, p.Lys528Ter (NM_001364166.2); short protein forms K424*, K439*, K450*, K463*, K519*, K528*, K529*.
Identifiers: ClinVar variation 4281820 (VCV004281820.2).

ClinVar aggregate classification (germline): Uncertain significance (1 of 4 stars; one submission).

Submission:

GeneDx
Classification: Uncertain significance. Last evaluated: 2026-05-04. Review status: criteria provided, single submitter. Criteria: GeneDx Variant Classification Process June 2021. Collection method: clinical testing. Allele origin: germline.
Comment: Not observed at significant frequency in large population cohorts (gnomAD); Nonsense variant predicted to result in protein truncation or nonsense mediated decay in a gene or region of a gene for which loss of function is not a well-established mechanism of disease; Has not been previously published as pathogenic or benign to our knowledge